The following is an entry in ClinVar:

NM_030632.3(ASXL3):c.6114A>C (p.Pro2038=)

Gene: ASXL3 (ASXL transcriptional regulator 3; plus strand). Cytogenetic location: 18q12.1.
Variant type: single nucleotide variant.
Coding change: c.6114A>C on transcript NM_030632.3 (MANE Select); coding-DNA position 6114, A replaced by C.
Protein change: p.Pro2038=; no amino-acid change (proline 2038 retained).
Molecular consequence: synonymous variant.
Genome position (GRCh38, 1-based): chr18:33,745,962, A>C. VCF-style: chr18-33745962-A-C. GRCh37 (hg19) VCF-style: chr18-31325926-A-C.
Identifiers: ClinVar variation 3029861 (VCV003029861.8), dbSNP rs924248436, ClinGen allele CA297794819.

ClinVar aggregate classification (germline): Likely benign. Review status: criteria provided, single submitter (1 of 4 stars). 2 submissions from 2 submitters: Likely benign (1). 1 of the submissions does not count toward it. Last evaluated 2025-11-01.

Conditions:
ASXL3-related disorder. Also called: ASXL3-related condition. Identifiers: MedGen CN381524.

Allele frequency attached by ClinVar (database versions not stated): gnomAD 0.00042.

Submissions (2):

CeGaT Center for Human Genetics Tuebingen
Classification: Likely benign. Last evaluated: 2025-11-01. Review status: criteria provided, single submitter. Criteria: CeGaT Center For Human Genetics Tuebingen Variant Classification Criteria Version 2. Collection method: clinical testing. Allele origin: germline. Affected: yes. Observed: 1 variant allele.
Comment: ASXL3: BP4, BP7

PreventionGenetics, part of Exact Sciences
Classification: Likely benign for ASXL3-related condition. Last evaluated: 2023-10-06. Review status: no assertion criteria provided. Collection method: clinical testing. Allele origin: germline. Not counted in ClinVar's aggregate classification.
Comment: This variant is classified as likely benign based on ACMG/AMP sequence variant interpretation guidelines (Richards et al. 2015 PMID: 25741868, with internal and published modifications).